The following is an entry in ClinVar:

ClinVar aggregate classification (germline): Uncertain significance (1 of 4 stars; one submission).

Conditions:
Glycogen storage disease, type VII (GSD7). Also called: GSD VII; MUSCLE PHOSPHOFRUCTOKINASE DEFICIENCY; PFKM DEFICIENCY; TARUI DISEASE. Identifiers: Orphanet 371, MedGen C0017926, MONDO:0009295, OMIM 232800.

gnomAD v4.1: 5 of 1,614,032 alleles (0.00031%); highest among the groups gnomAD compares: South Asian, 0.0011%; no homozygotes.

Submission:

Institute of Immunology and Genetics Kaiserslautern
Classification: Uncertain significance for Glycogen storage disease, type VII. Last evaluated: 2025-09-15. Review status: criteria provided, single submitter. Criteria: ACMG Guidelines, 2015. Collection method: clinical testing. Allele origin: biparental.
Comment: ACMG Criteria: PM2_P, PP1; Variant was found in homozygous state. Biparental allele origin was confirmed via in-house segregation analysis.

NM_000289.6(PFKM):c.2140C>T (p.Arg714Cys)

Gene: PFKM (phosphofructokinase, muscle; plus strand). Cytogenetic location: 12q13.11.
Variant type: single nucleotide variant.
Coding change: c.2140C>T on transcript NM_000289.6 (MANE Select); coding-DNA position 2140, C replaced by T.
Protein change: p.Arg714Cys; replaces arginine 714 with cysteine.
Molecular consequence: missense variant. On other transcripts: non-coding transcript variant (6).
Genome position (GRCh38, 1-based): chr12:48,145,257, C>T. VCF-style: chr12-48145257-C-T. GRCh37 (hg19) VCF-style: chr12-48539040-C-T.
Other names: c.2140C>T, p.Arg714Cys (NM_001354742.2, NM_001354743.2, NM_001354744.2 and 2 more transcripts); c.2053C>T, p.Arg685Cys (NM_001354745.2); c.2014C>T, p.Arg672Cys (NM_001354746.2); c.1990C>T, p.Arg664Cys (NM_001354747.2, NM_001354748.2); c.2047C>T, p.Arg683Cys (NM_001363619.2); c.2260C>T, p.Arg754Cys (NM_001439058.1); c.2353C>T, p.Arg785Cys (NM_001166686.2, NM_001354737.1, NM_001354738.1 and 1 more transcripts); c.2449C>T, p.Arg817Cys (NM_001354735.1, NM_001354736.1); and 2 more; short protein forms R664C, R672C, R683C, R685C, R714C, R722C, R754C, R762C.
Identifiers: ClinVar variation 4279052 (VCV004279052.1).
Genomic context (GRCh38, chr12:48,145,257, plus strand): 5'-TCCCTCATTGCAGGGCGGATCTTTGCCAATACTCCAGATTCGGGCTGTGTTCTGGGGATG[C>T]GTAAGAGGGCTCTGGTCTTCCAACCAGTGGCTGAGCTGAAGGACCAGACAGATTTTGAGT-3'
Protein context (NP_000280.1, residues 704-724): TPDSGCVLGM[Arg714Cys]KRALVFQPVA